The following is an entry in ClinVar:

NM_000548.5(TSC2):c.4845G>C (p.Met1615Ile)

Gene: TSC2 (TSC complex subunit 2; plus strand). Cytogenetic location: 16p13.3.
Variant type: single nucleotide variant.
Coding change: c.4845G>C on transcript NM_000548.5 (MANE Select); coding-DNA position 4845, G replaced by C.
Protein change: p.Met1615Ile; replaces methionine 1615 with isoleucine.
Molecular consequence: missense variant. On other transcripts: non-coding transcript variant (5).
Genome position (GRCh38, 1-based): chr16:2,086,375, G>C. VCF-style: chr16-2086375-G-C. GRCh37 (hg19) VCF-style: chr16-2136376-G-C.
Other names: c.4767G>C, p.Met1589Ile (NM_001406665.1); c.4737G>C, p.Met1579Ile (NM_001406667.1); c.4734G>C, p.Met1578Ile (NM_001406668.1); c.4665G>C, p.Met1555Ile (NM_001406670.1); c.4644G>C, p.Met1548Ile (NM_001077183.3); c.4776G>C, p.Met1592Ile (NM_001114382.3); c.4536G>C, p.Met1512Ile (NM_001318827.2); c.4500G>C, p.Met1500Ile (NM_001318829.2); and 26 more; short protein forms M1555I, M1578I, M1579I, M1589I, M1591I, M1614I, M1100I, M1123I.
Identifiers: ClinVar variation 3637251 (VCV003637251.2).
Genomic context (GRCh38, chr16:2,086,375, plus strand): 5'-AGGCCTGGACGTGTGTGGTGAGGACGGCCAGTTCACCTACTGCTGGCACGATGACATCAT[G>C]CAAGGTACGGCCTGGCGCCTACCCGCTCCTGCTGCCCCAGGCCTCAGGGCACGGCTCCCA-3'
Protein context (NP_000539.2, residues 1605-1625): QFTYCWHDDI[Met1615Ile]QAVFHIATLM

ClinVar aggregate classification (germline): Uncertain significance (1 of 4 stars; one submission).

Conditions:
Tuberous sclerosis 2 (TSC2). Identifiers: Orphanet 805, MedGen C1860707, MONDO:0013199, OMIM 613254.

Submission:

Labcorp Genetics (formerly Invitae), Labcorp
Classification: Uncertain significance for Tuberous sclerosis 2. Last evaluated: 2024-06-11. Review status: criteria provided, single submitter. Criteria: Invitae Variant Classification Sherloc (09022015). Collection method: clinical testing. Allele origin: germline.
Comment: This sequence change replaces methionine, which is neutral and non-polar, with isoleucine, which is neutral and non-polar, at codon 1615 of the TSC2 protein (p.Met1615Ile). This variant is not present in population databases (gnomAD no frequency). This variant has not been reported in the literature in individuals affected with TSC2-related conditions. Advanced modeling of protein sequence and biophysical properties (such as structural, functional, and spatial information, amino acid conservation, physicochemical variation, residue mobility, and thermodynamic stability) performed at Invitae indicates that this missense variant is not expected to disrupt TSC2 protein function with a negative predictive value of 95%. In summary, the available evidence is currently insufficient to determine the role of this variant in disease. Therefore, it has been classified as a Variant of Uncertain Significance.